The following is an entry in ClinVar:

NM_015450.3(POT1):c.121A>G (p.Thr41Ala)

Gene: POT1 (protection of telomeres 1; minus strand). Cytogenetic location: 7q31.33.
Variant type: single nucleotide variant.
Coding change: c.121A>G on transcript NM_015450.3 (MANE Select); coding-DNA position 121, A replaced by G.
Protein change: p.Thr41Ala; replaces threonine 41 with alanine.
Molecular consequence: missense variant. On other transcripts: 5 prime UTR variant (1), non-coding transcript variant (3).
Genome position (GRCh38, 1-based): chr7:124,892,269, T>C on the plus strand (A>G on the coding strand, the complement: POT1 is on the minus strand). VCF-style: chr7-124892269-T-C. GRCh37 (hg19) VCF-style: chr7-124532323-T-C.
Other names: c.-142A>G (NM_001042594.2); c.121A>G (NM_015450.2); short protein forms T41A.
Identifiers: ClinVar variation 2145207 (VCV002145207.7), dbSNP rs2485562427, ClinGen allele CA369065945.

ClinVar aggregate classification (germline): Uncertain significance. Review status: criteria provided, multiple submitters, no conflicts (2 of 4 stars). 3 submissions from 3 submitters: Uncertain significance (2). 1 of the submissions does not count toward it. Last evaluated 2025-06-24.

Conditions:
Hereditary cancer-predisposing syndrome. Also called: Neoplastic Syndromes, Hereditary; Hereditary Cancer Syndrome; Hereditary neoplastic syndrome; Tumor predisposition. Identifiers: Orphanet 140162, MedGen C0027672, MeSH D009386, MONDO:0015356.
Long telomere syndrome.
Tumor predisposition syndrome 3 (TPDS3). Also called: Melanoma, cutaneous malignant, susceptibility to, 10; Glioma susceptibility 9; LONG TELOMERE SYNDROME, POT1-RELATED; POT1 Tumor Predisposition. Identifiers: Orphanet 618, MedGen C4014476, MONDO:0014368, OMIM 615848.

Allele frequency attached by ClinVar (database versions not stated): gnomAD exomes below 0.00001.
gnomAD v4.1: 1 of 1,518,254 alleles (0.000066%); highest among the groups gnomAD compares: Non-Finnish European, 0.000088%; no homozygotes.

Submissions (3):

Ambry Genetics
Classification: Uncertain significance for Hereditary cancer-predisposing syndrome. Last evaluated: 2025-06-24. Review status: criteria provided, single submitter. Criteria: Ambry Variant Classification Scheme 2023. Collection method: clinical testing. Allele origin: germline.
Comment: The p.T41A variant (also known as c.121A>G), located in coding exon 2 of the POT1 gene, results from an A to G substitution at nucleotide position 121. The threonine at codon 41 is replaced by alanine, an amino acid with similar properties. This variant was reported in individual(s) with features consistent with POT1-related tumor predisposition syndrome, and direct measurements from patient cells also showed longer telomeres as compared to controls (DeBoy EA et al. Am J Hum Genet, 2024 Jun;111:1114-1124). This amino acid position is highly conserved in available vertebrate species. In addition, this alteration is predicted to be tolerated by in silico analysis. Based on the available evidence, the clinical significance of this alteration remains unclear.

Labcorp Genetics (formerly Invitae), Labcorp
Classification: Uncertain significance for Tumor predisposition syndrome 3. Last evaluated: 2024-05-28. Review status: criteria provided, single submitter. Criteria: Invitae Variant Classification Sherloc (09022015). Collection method: clinical testing. Allele origin: germline.
Comment: This sequence change replaces threonine, which is neutral and polar, with alanine, which is neutral and non-polar, at codon 41 of the POT1 protein (p.Thr41Ala). This variant is not present in population databases (gnomAD no frequency). This variant has not been reported in the literature in individuals affected with POT1-related conditions. ClinVar contains an entry for this variant (Variation ID: 2145207). Advanced modeling of protein sequence and biophysical properties (such as structural, functional, and spatial information, amino acid conservation, physicochemical variation, residue mobility, and thermodynamic stability) performed at Invitae indicates that this missense variant is not expected to disrupt POT1 protein function with a negative predictive value of 80%. In summary, the available evidence is currently insufficient to determine the role of this variant in disease. Therefore, it has been classified as a Variant of Uncertain Significance.

The Telomere Center at Johns Hopkins, Johns Hopkins University School of Medicine
Classification: Pathogenic for Long telomere syndrome. Last evaluated: 2023-04-01. Review status: no assertion criteria provided. Collection method: research. Allele origin: germline. Affected: yes. Not counted in ClinVar's aggregate classification.

Literature cited by the submitters: PubMed 38688277 (cited by Ambry Genetics and The Telomere Center at Johns Hopkins, Johns Hopkins University School of Medicine).